The following is an entry in ClinVar:

ClinVar aggregate classification (germline): Uncertain significance (1 of 4 stars; one submission).

gnomAD v4.1: 2 of 1,614,002 alleles (0.00012%); highest among the groups gnomAD compares: African/African-American, 0.0027%; no homozygotes.

Submission:

Dasa
Classification: Uncertain significance. Last evaluated: 2025-02-25. Review status: criteria provided, single submitter. Criteria: DASA Assertion Criteria. Collection method: clinical testing. Allele origin: germline.
Comment: NM_001197104.2(KMT2A):c.4389C>A (p.Asn1463Lys) is a missense variant that results in the substitution of asparagine with lysine. This variant is rare in population databases. Computational prediction algorithms are consistent with a benign effect. The currently available literature and clinical evidence are not sufficient to establish a definitive association between this variant and the reported condition. Therefore, this variant is classified as a variant of uncertain significance.

NM_001197104.2(KMT2A):c.4389C>A (p.Asn1463Lys)

Gene: KMT2A (lysine methyltransferase 2A; plus strand). Cytogenetic location: 11q23.3.
Variant type: single nucleotide variant.
Coding change: c.4389C>A on transcript NM_001197104.2 (MANE Select); coding-DNA position 4389, C replaced by A.
Protein change: p.Asn1463Lys; replaces asparagine 1463 with lysine.
Molecular consequence: missense variant.
Genome position (GRCh38, 1-based): chr11:118,488,670, C>A. VCF-style: chr11-118488670-C-A. GRCh37 (hg19) VCF-style: chr11-118359385-C-A.
Other names: c.4488C>A, p.Asn1496Lys (NM_001412597.1); c.4389C>A, p.Asn1463Lys (NM_005933.4); short protein forms N1463K, N1496K.
Identifiers: ClinVar variation 4885683 (VCV004885683.2).